The following is an entry in ClinVar:

NM_001070.5(TUBG1):c.776C>T (p.Ser259Leu)

Gene: TUBG1 (tubulin gamma 1; plus strand). Cytogenetic location: 17q21.2.
Variant type: single nucleotide variant.
Coding change: c.776C>T on transcript NM_001070.5 (MANE Select); coding-DNA position 776, C replaced by T.
Protein change: p.Ser259Leu; replaces serine 259 with leucine.
Molecular consequence: missense variant.
Genome position (GRCh38, 1-based): chr17:42,613,931, C>T. VCF-style: chr17-42613931-C-T. GRCh37 (hg19) VCF-style: chr17-40765949-C-T.
Other names: short protein forms S259L.
Identifiers: ClinVar variation 437135 (VCV000437135.56), dbSNP rs1555631383, ClinGen allele CA399626815.
Genomic context (GRCh38, chr17:42,613,931, plus strand): 5'-GCACCACCACCCTGCGCTACCCTGGCTACATGAACAATGACCTCATCGGCCTCATCGCCT[C>T]GCTCATTCCCACCCCACGGCTCCACTTCCTCATGACCGGCTACACCCCTCTCACTACGGA-3'
Protein context (NP_001061.2, residues 249-269): MNNDLIGLIA[Ser259Leu]LIPTPRLHFL

ClinVar aggregate classification (germline): Conflicting classifications of pathogenicity. Review status: criteria provided, conflicting classifications (1 of 4 stars). 6 submissions from 6 submitters: Pathogenic (4); Uncertain significance (1). 1 of the submissions does not count toward it. Last evaluated 2026-03-04.

Conditions:
TUBG1-related disorder. Also called: TUBG1-related condition.
Lissencephaly. Also called: Lissencephaly spectrum disorders. Identifiers: Orphanet 48471, MedGen C0266463, MeSH D054082, MONDO:0018838, HP:0001339.

Submissions (6):

GeneDx
Classification: Pathogenic. Last evaluated: 2026-03-04. Review status: criteria provided, single submitter. Criteria: GeneDx Variant Classification Process June 2021. Collection method: clinical testing. Allele origin: germline.
Comment: Published functional studies demonstrate a damaging effect on neuronal migration due to altered microtubule dynamics (PMID: 31086189); Not observed at significant frequency in large population cohorts (gnomAD); In silico analysis supports that this missense variant has a deleterious effect on protein structure/function; This variant is associated with the following publications: (PMID: 35118825, 39843441, 29671837, 29706637, 33453472, 41197259, 31086189)

Blueprint Genetics
Classification: Pathogenic for TUBG1-related disorders. Last evaluated: 2023-02-27. Review status: criteria provided, single submitter. Criteria: ACMG Guidelines, 2015. Collection method: clinical testing. Allele origin: de novo. Affected: yes. Observed: 1 variant allele.

Labcorp Genetics (formerly Invitae), Labcorp
Classification: Pathogenic. Last evaluated: 2022-05-27. Review status: criteria provided, single submitter. Criteria: Invitae Variant Classification Sherloc (09022015). Collection method: clinical testing. Allele origin: germline.
Comment: For these reasons, this variant has been classified as Pathogenic. Experimental studies have shown that this missense change affects TUBG1 function (PMID: 31086189). Algorithms developed to predict the effect of missense changes on protein structure and function (SIFT, PolyPhen-2, Align-GVGD) all suggest that this variant is likely to be tolerated. ClinVar contains an entry for this variant (Variation ID: 437135). This missense change has been observed in individual(s) with cortical malformation (PMID: 29706637). In at least one individual the variant was observed to be de novo. This variant is not present in population databases (gnomAD no frequency). This sequence change replaces serine, which is neutral and polar, with leucine, which is neutral and non-polar, at codon 259 of the TUBG1 protein (p.Ser259Leu).

CeGaT Center for Human Genetics Tuebingen
Classification: Pathogenic. Last evaluated: 2019-06-01. Review status: criteria provided, single submitter. Criteria: CeGaT Center For Human Genetics Tuebingen Variant Classification Criteria Version 2. Collection method: clinical testing. Allele origin: germline. Affected: yes. Observed: 2 variant alleles.

Genetic Services Laboratory, University of Chicago
Classification: Uncertain significance. Last evaluated: 2016-01-12. Review status: criteria provided, single submitter. Criteria: ACMG Guidelines, 2015. Collection method: clinical testing. Allele origin: germline. Affected: no.

University of Washington Center for Mendelian Genomics, University of Washington
Classification: Likely pathogenic for lissencephaly. Review status: no assertion criteria provided. Collection method: research. Allele origin: de novo. Affected: yes. Not counted in ClinVar's aggregate classification.

Literature cited by the submitters: PubMed 31086189 (cited by Labcorp Genetics (formerly Invitae), Labcorp); PubMed 29706637 (cited by Labcorp Genetics (formerly Invitae), Labcorp); PubMed 29671837 (cited by University of Washington Center for Mendelian Genomics, University of Washington).